The following is an entry in ClinVar:

NM_001365088.1(SLC12A6):c.717T>A (p.Ser239Arg)

Gene: SLC12A6 (solute carrier family 12 member 6; minus strand). Cytogenetic location: 15q14.
Variant type: single nucleotide variant.
Coding change: c.717T>A on transcript NM_001365088.1 (MANE Select); coding-DNA position 717, T replaced by A.
Protein change: p.Ser239Arg; replaces serine 239 with arginine.
Molecular consequence: missense variant.
Genome position (GRCh38, 1-based): chr15:34,256,257, A>T on the plus strand (T>A on the coding strand, the complement: SLC12A6 is on the minus strand). VCF-style: chr15-34256257-A-T. GRCh37 (hg19) VCF-style: chr15-34548458-A-T.
Other names: c.540T>A, p.Ser180Arg (NM_001042494.2, NM_001042495.2); c.690T>A, p.Ser230Arg (NM_001042496.2); c.672T>A, p.Ser224Arg (NM_001042497.2); c.564T>A, p.Ser188Arg (NM_005135.2); c.717T>A, p.Ser239Arg (NM_133647.2); short protein forms S180R, S188R, S224R, S230R, S239R.
Identifiers: ClinVar variation 2663699 (VCV002663699.1), dbSNP rs2509826440, ClinGen allele CA391611364.

ClinVar aggregate classification (germline): Uncertain significance (1 of 4 stars; one submission).

Submission:

GeneDx
Classification: Uncertain significance. Last evaluated: 2023-04-26. Review status: criteria provided, single submitter. Criteria: GeneDx Variant Classification Process June 2021. Collection method: clinical testing. Allele origin: germline. Affected: yes.
Comment: Not observed at significant frequency in large population cohorts (gnomAD); In silico analysis supports that this missense variant has a deleterious effect on protein structure/function; Has not been previously published as pathogenic or benign to our knowledge